The following is an entry in ClinVar:

ClinVar aggregate classification (germline): Likely pathogenic (1 of 4 stars; one submission).

Conditions:
Microcephaly, short stature, and impaired glucose metabolism 1 (MSSGM1). Identifiers: Orphanet 391408, MedGen C4014997, MONDO:0000208, OMIM 616033.

Submission:

First Genomix Gene Laboratory, Genetic Diagnostics Department
Classification: Likely pathogenic for Microcephaly, short stature, and impaired glucose metabolism 1. Last evaluated: 2025-05-19. Review status: criteria provided, single submitter. Criteria: ACMG Guidelines, 2015. Collection method: clinical testing. Allele origin: germline. Inheritance: Autosomal recessive inheritance. Affected: no. Observed: 1 variant allele.

NM_001134665.3(TRMT10A):c.206del (p.Arg69fs)

Gene: TRMT10A (tRNA methyltransferase 10A; minus strand). Cytogenetic location: 4q23.
Variant type: Deletion.
Coding change: c.206del on transcript NM_001134665.3 (MANE Select); coding-DNA position 206, one base deleted (G; older notation c.206delG).
Protein change: p.Arg69fs; shifts the reading frame from arginine 69.
Molecular consequence: frameshift variant.
Genome position (GRCh38, 1-based): chr4:99,558,191, C deleted on the plus strand (G on the coding strand, the reverse complement: TRMT10A is on the minus strand). VCF-style (leftmost placement, unchanged base first): chr4-99558190-GC-G. GRCh37 (hg19) VCF-style: chr4-100479347-GC-G.
Other names: c.206del, p.Arg69fs (NM_001134666.3, NM_001375880.1, NM_001375881.1 and 2 more transcripts); c.206delG (NM_152292.5); short protein forms R69fs.
Identifiers: ClinVar variation 4849284 (VCV004849284.1).